The following is an entry in ClinVar:

NM_020822.3(KCNT1):c.2268C>A (p.Asn756Lys)

Gene: KCNT1 (potassium sodium-activated channel subfamily T member 1; plus strand). Cytogenetic location: 9q34.3.
Variant type: single nucleotide variant.
Coding change: c.2268C>A on transcript NM_020822.3 (MANE Select); coding-DNA position 2268, C replaced by A.
Protein change: p.Asn756Lys; replaces asparagine 756 with lysine.
Molecular consequence: missense variant.
Genome position (GRCh38, 1-based): chr9:135,775,334, C>A. VCF-style: chr9-135775334-C-A. GRCh37 (hg19) VCF-style: chr9-138667180-C-A.
Other names: c.2133C>A, p.Asn711Lys (NM_001272003.2); short protein forms N711K, N756K.
Identifiers: ClinVar variation 2938613 (VCV002938613.3), dbSNP rs2491009689, ClinGen allele CA375512184.
Genomic context (GRCh38, chr9:135,775,334, plus strand): 5'-TGCAGCTGTGCTGAGGGCTCCTGTCTCCTGCCCCAGGTATGTGAAGGGCTACCCTCCCAA[C>A]TCGCCCTACATCGGCAGCTCCCCAACCCTGTGCCACCTCCTGCCTGTGAAAGCCCCCTTC-3'
Protein context (NP_065873.2, residues 746-766): VVEYVKGYPP[Asn756Lys]SPYIGSSPTL

ClinVar aggregate classification (germline): Uncertain significance (1 of 4 stars; one submission).

Conditions:
Autosomal dominant nocturnal frontal lobe epilepsy 5. Also called: Epilepsy, nocturnal frontal lobe, 5; CILIARY DYSKINESIA, PRIMARY, 28, WITHOUT SITUS INVERSUS; CILIARY DYSKINESIA, PRIMARY, 28, WITH SITUS INVERSUS; KCNT1-Related Epilepsy. Identifiers: Orphanet 98784, MedGen C3554306, MONDO:0014002, OMIM 615005.
Developmental and epileptic encephalopathy, 14 (DEE14). Also called: Early infantile epileptic encephalopathy 14. Identifiers: Orphanet 293181, MedGen C3554195, MONDO:0013989, OMIM 614959.

Submission:

Labcorp Genetics (formerly Invitae), Labcorp
Classification: Uncertain significance for Autosomal dominant nocturnal frontal lobe epilepsy 5; Developmental and epileptic encephalopathy, 14. Last evaluated: 2023-07-29. Review status: criteria provided, single submitter. Criteria: Invitae Variant Classification Sherloc (09022015). Collection method: clinical testing. Allele origin: germline.
Comment: This variant has not been reported in the literature in individuals affected with KCNT1-related conditions. This variant is not present in population databases (gnomAD no frequency). This sequence change replaces asparagine, which is neutral and polar, with lysine, which is basic and polar, at codon 756 of the KCNT1 protein (p.Asn756Lys). Advanced modeling of protein sequence and biophysical properties (such as structural, functional, and spatial information, amino acid conservation, physicochemical variation, residue mobility, and thermodynamic stability) performed at Invitae indicates that this missense variant is not expected to disrupt KCNT1 protein function. In summary, the available evidence is currently insufficient to determine the role of this variant in disease. Therefore, it has been classified as a Variant of Uncertain Significance.